The following is an entry in ClinVar:

NM_020738.4(KIDINS220):c.742C>T (p.His248Tyr)

Gene: KIDINS220 (kinase D interacting substrate 220; minus strand). Cytogenetic location: 2p25.1.
Variant type: single nucleotide variant.
Coding change: c.742C>T on transcript NM_020738.4 (MANE Select); coding-DNA position 742, C replaced by T.
Protein change: p.His248Tyr; replaces histidine 248 with tyrosine.
Molecular consequence: missense variant. On other transcripts: non-coding transcript variant (2).
Genome position (GRCh38, 1-based): chr2:8,802,989, G>A on the plus strand (C>T on the coding strand, the complement: KIDINS220 is on the minus strand). VCF-style: chr2-8802989-G-A. GRCh37 (hg19) VCF-style: chr2-8943119-G-A.
Other names: c.745C>T, p.His249Tyr (NM_001348729.2, NM_001348731.2, NM_001348734.2 and 3 more transcripts); c.742C>T, p.His248Tyr (NM_001348732.2, NM_001348735.2, NM_001348738.2 and 3 more transcripts); c.616C>T, p.His206Tyr (NM_001348736.2); short protein forms H248Y, H249Y, H206Y.
Identifiers: ClinVar variation 2228709 (VCV002228709.2), dbSNP rs976135105, ClinGen allele CA42349235.
Genomic context (GRCh38, chr2:8,802,989, plus strand): 5'-CCCTGTCAGGTATGTTCACATATGTTCCAGCGTCGAGCAGATCCTGCACAATCTCCGTAT[G>A]TCCCTCCTTTGATGCAATCATCAAAGCTGTATTTCCATCTTTATCTGTTAAGTTTACATT-3'
Protein context (NP_065789.1, residues 238-258): TALMIASKEG[His248Tyr]TEIVQDLLDA

ClinVar aggregate classification (germline): Uncertain significance (1 of 4 stars; one submission).

Conditions:
Inborn genetic diseases. Identifiers: MedGen C0950123, MeSH D030342.

Submission:

Ambry Genetics
Classification: Uncertain significance for Inborn genetic diseases. Last evaluated: 2021-01-06. Review status: criteria provided, single submitter. Criteria: Ambry Variant Classification Scheme 2023. Collection method: clinical testing. Allele origin: germline.
Comment: The c.742C>T (p.H248Y) alteration is located in exon 8 (coding exon 7) of the KIDINS220 gene. This alteration results from a C to T substitution at nucleotide position 742, causing the histidine (H) at amino acid position 248 to be replaced by a tyrosine (Y). The in silico prediction for the p.H248Y alteration is inconclusive. Based on insufficient or conflicting evidence, the clinical significance of this alteration remains unclear.